The following is an entry in ClinVar:

NM_000426.4(LAMA2):c.3466G>T (p.Asp1156Tyr)

Gene: LAMA2 (laminin subunit alpha 2; plus strand). Cytogenetic location: 6q22.33.
Variant type: single nucleotide variant.
Coding change: c.3466G>T on transcript NM_000426.4 (MANE Select); coding-DNA position 3466, G replaced by T.
Protein change: p.Asp1156Tyr; replaces aspartic acid 1156 with tyrosine.
Molecular consequence: missense variant.
Genome position (GRCh38, 1-based): chr6:129,314,709, G>T. VCF-style: chr6-129314709-G-T. GRCh37 (hg19) VCF-style: chr6-129635854-G-T.
Other names: c.3466G>T, p.Asp1156Tyr (NM_001079823.2); short protein forms D1156Y.
Identifiers: ClinVar variation 2118348 (VCV002118348.4), dbSNP rs754256231, ClinGen allele CA365612286.

ClinVar aggregate classification (germline): Uncertain significance (1 of 4 stars; one submission).

Conditions:
LAMA2-related muscular dystrophy (LAMA2-RD). Also called: Laminin alpha 2-related dystrophy. Identifiers: MedGen C5679788, MONDO:0100228.

Submission:

Labcorp Genetics (formerly Invitae), Labcorp
Classification: Uncertain significance for LAMA2-related muscular dystrophy. Last evaluated: 2022-03-30. Review status: criteria provided, single submitter. Criteria: Invitae Variant Classification Sherloc (09022015). Collection method: clinical testing. Allele origin: germline.
Comment: This sequence change replaces aspartic acid, which is acidic and polar, with tyrosine, which is neutral and polar, at codon 1156 of the LAMA2 protein (p.Asp1156Tyr). In summary, the available evidence is currently insufficient to determine the role of this variant in disease. Therefore, it has been classified as a Variant of Uncertain Significance. Advanced modeling of protein sequence and biophysical properties (such as structural, functional, and spatial information, amino acid conservation, physicochemical variation, residue mobility, and thermodynamic stability) performed at Invitae indicates that this missense variant is not expected to disrupt LAMA2 protein function. This variant has not been reported in the literature in individuals affected with LAMA2-related conditions. This variant is not present in population databases (gnomAD no frequency).